The following is an entry in ClinVar:

NM_005585.5(SMAD6):c.745A>G (p.Ser249Gly)

Gene: SMAD6 (SMAD family member 6; plus strand). Cytogenetic location: 15q22.31.
Variant type: single nucleotide variant.
Coding change: c.745A>G on transcript NM_005585.5 (MANE Select); coding-DNA position 745, A replaced by G.
Protein change: p.Ser249Gly; replaces serine 249 with glycine.
Molecular consequence: missense variant. On other transcripts: non-coding transcript variant (1).
Genome position (GRCh38, 1-based): chr15:66,704,003, A>G. VCF-style: chr15-66704003-A-G. GRCh37 (hg19) VCF-style: chr15-66996341-A-G.
Other names: short protein forms S249G.
Identifiers: ClinVar variation 5029771 (VCV005029771.1).

ClinVar aggregate classification (germline): Uncertain significance (1 of 4 stars; one submission).

Conditions:
Inborn genetic diseases. Identifiers: MedGen C0950123, MeSH D030342.

gnomAD v4.1: 4 of 1,493,762 alleles (0.00027%); highest among the groups gnomAD compares: East Asian, 0.0029%; no homozygotes.

Submission:

Ambry Genetics
Classification: Uncertain significance for Inborn genetic diseases. Last evaluated: 2026-07-10. Review status: criteria provided, single submitter. Criteria: Ambry Variant Classification Scheme 2023. Collection method: clinical testing. Allele origin: germline.
Comment: The p.S249G variant (also known as c.745A>G), located in coding exon 1 of the SMAD6 gene, results from an A to G substitution at nucleotide position 745. The serine at codon 249 is replaced by glycine, an amino acid with similar properties. This amino acid position is conserved. In addition, this alteration is predicted to be tolerated by in silico analysis. Based on the available evidence, the clinical significance of this variant remains unclear.